The following is an entry in ClinVar:

ClinVar aggregate classification (germline): Likely benign. Review status: criteria provided, multiple submitters, no conflicts (2 of 4 stars). 3 submissions from 3 submitters: Likely benign (3). Last evaluated 2026-07-01.

Conditions:
DST-related disorder. Also called: DST-related condition; DST-related disorders.

gnomAD v4.1: 352 of 1,605,112 alleles (0.022%); highest among the groups gnomAD compares: Middle Eastern, 0.12%; no homozygotes.

Submissions (3):

CeGaT Center for Human Genetics Tuebingen
Classification: Likely benign. Last evaluated: 2026-07-01. Review status: criteria provided, single submitter. Criteria: CeGaT Center For Human Genetics Tuebingen Variant Classification Criteria Version 2. Collection method: clinical testing. Allele origin: germline. Affected: yes. Observed: 1 variant allele.
Comment: DST: BP4, BP7

PreventionGenetics, part of Exact Sciences
Classification: Likely benign for DST-related condition. Last evaluated: 2025-05-27. Review status: criteria provided, single submitter. Criteria: ACMG Guidelines, 2015. Collection method: clinical testing. Allele origin: germline.
Comment: This variant is classified as likely benign based on ACMG/AMP sequence variant interpretation guidelines (Richards et al. 2015 PMID: 25741868, with internal and published modifications).

Mayo Clinic Laboratories, Mayo Clinic
Classification: Likely benign. Last evaluated: 2024-10-14. Review status: criteria provided, single submitter. Criteria: ACMG Guidelines, 2015. Collection method: clinical testing. Allele origin: germline. Observed: 1 variant allele.
Comment: BP4, BP7

NM_001374736.1(DST):c.1077A>G (p.Ser359=)

Gene: DST (dystonin; minus strand). Cytogenetic location: 6p12.1.
Variant type: single nucleotide variant.
Coding change: c.1077A>G on transcript NM_001374736.1 (MANE Select); coding-DNA position 1077, A replaced by G.
Protein change: p.Ser359=; no amino-acid change (serine 359 retained).
Molecular consequence: synonymous variant.
Genome position (GRCh38, 1-based): chr6:56,670,778, T>C on the plus strand (A>G on the coding strand, the complement: DST is on the minus strand). VCF-style: chr6-56670778-T-C. GRCh37 (hg19) VCF-style: chr6-56535576-T-C.
Other names: p.Ser326=; c.978A>G (NM_001144769.2); c.978A>G, p.Ser326= (NM_001144769.5); c.564A>G, p.Ser188= (NM_001144770.2); c.1077A>G, p.Ser359= (NM_001374722.1); c.444A>G, p.Ser148= (NM_001374729.1, NM_001374730.1, NM_001386100.1 and 1 more transcripts); c.1104A>G, p.Ser368= (NM_001374734.1).
Identifiers: ClinVar variation 4683201 (VCV004683201.3).